The following is an entry in ClinVar:

NM_020937.4(FANCM):c.1238A>C (p.Tyr413Ser)

Gene: FANCM (FA complementation group M; plus strand). Cytogenetic location: 14q21.2.
Variant type: single nucleotide variant.
Coding change: c.1238A>C on transcript NM_020937.4 (MANE Select); coding-DNA position 1238, A replaced by C.
Protein change: p.Tyr413Ser; replaces tyrosine 413 with serine.
Molecular consequence: missense variant.
Genome position (GRCh38, 1-based): chr14:45,154,751, A>C. VCF-style: chr14-45154751-A-C. GRCh37 (hg19) VCF-style: chr14-45623954-A-C.
Other names: c.1160A>C, p.Tyr387Ser (NM_001308133.2); c.1238A>C, p.Tyr413Ser (NM_001308134.2); short protein forms Y413S, Y387S.
Identifiers: ClinVar variation 4844536 (VCV004844536.1).

ClinVar aggregate classification (germline): Uncertain significance (1 of 4 stars; one submission).

Conditions:
Inborn genetic diseases. Identifiers: MedGen C0950123, MeSH D030342.

Submission:

Ambry Genetics
Classification: Uncertain significance for Inborn genetic diseases. Last evaluated: 2026-01-19. Review status: criteria provided, single submitter. Criteria: Ambry Variant Classification Scheme 2023. Collection method: clinical testing. Allele origin: germline.
Comment: The p.Y413S variant (also known as c.1238A>C), located in coding exon 7 of the FANCM gene, results from an A to C substitution at nucleotide position 1238. The tyrosine at codon 413 is replaced by serine, an amino acid with dissimilar properties. This amino acid position is conserved. In addition, this alteration is predicted to be tolerated by in silico analysis. Based on the available evidence, the clinical significance of this variant remains unclear.